The following is an entry in ClinVar:

ClinVar aggregate classification (germline): Conflicting classifications of pathogenicity. Review status: criteria provided, conflicting classifications (1 of 4 stars). 2 submissions from 2 submitters: Uncertain significance (1); Likely benign (1). Last evaluated 2026-10-15.

Allele frequency attached by ClinVar (database versions not stated): ExAC 0.00003; TOPMed 0.00001; gnomAD 0.00001.
gnomAD v4.1: 8 of 1,613,882 alleles (0.0005%); highest among the groups gnomAD compares: East Asian, 0.0022%; no homozygotes.

Submissions (2):

GeneDx
Classification: Uncertain significance. Last evaluated: 2026-10-15. Review status: criteria provided, single submitter. Criteria: GeneDx Variant Classification Process June 2021. Collection method: clinical testing. Allele origin: germline.
Comment: Not observed at significant frequency in large population cohorts (gnomAD); Has not been previously published as pathogenic or benign to our knowledge; In silico analysis suggests that this missense variant does not alter protein structure/function

Labcorp Genetics (formerly Invitae), Labcorp
Classification: Likely benign. Last evaluated: 2026-02-01. Review status: criteria provided, single submitter. Criteria: Invitae Variant Classification Sherloc (09022015). Collection method: clinical testing. Allele origin: germline.

NM_080680.3(COL11A2):c.2510G>A (p.Arg837Gln)

Gene: COL11A2 (collagen type XI alpha 2 chain; minus strand). Cytogenetic location: 6p21.32.
Variant type: single nucleotide variant.
Coding change: c.2510G>A on transcript NM_080680.3 (MANE Select); coding-DNA position 2510, G replaced by A.
Protein change: p.Arg837Gln; replaces arginine 837 with glutamine.
Molecular consequence: missense variant.
Genome position (GRCh38, 1-based): chr6:33,174,030, C>T on the plus strand (G>A on the coding strand, the complement: COL11A2 is on the minus strand). VCF-style: chr6-33174030-C-T. GRCh37 (hg19) VCF-style: chr6-33141807-C-T.
Other names: c.2189G>A, p.Arg730Gln (NM_080679.3); c.2252G>A, p.Arg751Gln (NM_080681.3); short protein forms R730Q, R751Q, R837Q.
Identifiers: ClinVar variation 1311068 (VCV001311068.11), dbSNP rs773908748, ClinGen allele CA3750866.
Genomic context (GRCh38, chr6:33,174,030, plus strand): 5'-CTCTGGACCTTGAGCCACCTGTTTCTCTCCCCTGCACTCACCGTGGGGCCCCGTTCTCCC[C>T]GAGGCCCTGACTTCCCCGACAGGCCCTGGTGGGAATGAAGCAGAGAGAACATTACCCAGG-3'
Protein context (NP_542411.2, residues 827-847): ARGLSGKSGP[Arg837Gln]GERGPTGPRG